The following is an entry in ClinVar:

NM_182931.3(KMT2E):c.22G>C (p.Gly8Arg)

Gene: KMT2E (lysine methyltransferase 2E (inactive); plus strand). Cytogenetic location: 7q22.3.
Variant type: single nucleotide variant.
Coding change: c.22G>C on transcript NM_182931.3 (MANE Select); coding-DNA position 22, G replaced by C.
Protein change: p.Gly8Arg; replaces glycine 8 with arginine.
Molecular consequence: missense variant.
Genome position (GRCh38, 1-based): chr7:105,040,974, G>C. VCF-style: chr7-105040974-G-C. GRCh37 (hg19) VCF-style: chr7-104681421-G-C.
Other names: c.22G>C, p.Gly8Arg (NM_001410908.1, NM_018682.4); short protein forms G8R.
Identifiers: ClinVar variation 3371482 (VCV003371482.1).

ClinVar aggregate classification (germline): Uncertain significance (1 of 4 stars; one submission).

gnomAD v4.1: 3 of 1,613,144 alleles (0.00019%); highest among the groups gnomAD compares: South Asian, 0.0022%; no homozygotes.

Submission:

GeneDx
Classification: Uncertain significance. Last evaluated: 2024-04-12. Review status: criteria provided, single submitter. Criteria: GeneDx Variant Classification Process June 2021. Collection method: clinical testing. Allele origin: germline. Affected: yes.
Comment: Not observed at significant frequency in large population cohorts (gnomAD); In silico analysis supports that this missense variant has a deleterious effect on protein structure/function; Has not been previously published as pathogenic or benign to our knowledge